The following is an entry in ClinVar:

ClinVar aggregate classification (germline): Benign/Likely benign. Review status: criteria provided, multiple submitters, no conflicts (2 of 4 stars). 3 submissions from 3 submitters: Benign (1); Likely benign (2). Last evaluated 2026-01-23.

Conditions:
Myeloproliferative neoplasm, unclassifiable. Identifiers: Orphanet 86830, MedGen C1333046, MONDO:0019452.

Allele frequency attached by ClinVar (database versions not stated): gnomAD exomes 0.00933; gnomAD 0.01256; TOPMed 0.01582; ExAC 0.04041; 1000 Genomes Project 30x 0.04809; 1000 Genomes Project 0.04852.
gnomAD v4.1: 15,144 of 1,558,598 alleles (0.97%); highest among the groups gnomAD compares: Admixed American, 9.7%; 682 homozygotes.

Submissions (3):

Women's Health and Genetics/Laboratory Corporation of America, LabCorp
Classification: Likely benign. Last evaluated: 2026-01-23. Review status: criteria provided, single submitter. Criteria: LabCorp Variant Classification Summary - May 2015. Collection method: clinical testing. Allele origin: germline.

Unidad de Genómica Garrahan, Hospital de Pediatría Garrahan
Classification: Benign. Last evaluated: 2024-01-24. Review status: criteria provided, single submitter. Criteria: ACMG Guidelines, 2015. Collection method: clinical testing. Allele origin: germline. Affected: no. Observed: 20 variant alleles.
Comment: This variant is classified as Benign based on local population frequency. This variant was detected in 21% of patients studied by a panel of primary immunodeficiencies. Number of patients: 20. Only high quality variants are reported.

Dept. of Cytogenetics, ICMR- National Institute of Immunohaematology
Classification: Likely benign for Myeloproliferative neoplasm, unclassifiable. Last evaluated: 2022-08-25. Review status: criteria provided, single submitter. Criteria: Oncogenicity SOP (ClinGen, CGC, VICC guidelines) 2022. Collection method: clinical testing. Allele origin: somatic. Affected: yes. Observed: 4 variant alleles.

NM_002221.4(ITPKB):c.220G>A (p.Gly74Ser)

Genes: ITPKB (inositol-trisphosphate 3-kinase B; minus strand), LOC129932672 (ATAC-STARR-seq lymphoblastoid silent region 1890; plus strand). Cytogenetic location: 1q42.12.
Variant type: single nucleotide variant.
Coding change: c.220G>A on transcript NM_002221.4 (MANE Select); coding-DNA position 220, G replaced by A.
Protein change: p.Gly74Ser; replaces glycine 74 with serine.
Molecular consequence: missense variant.
Genome position (GRCh38, 1-based): chr1:226,737,239, C>T on the plus strand (G>A on the coding strand, the complement: ITPKB is on the minus strand). VCF-style: chr1-226737239-C-T. GRCh37 (hg19) VCF-style: chr1-226924940-C-T.
Other names: c.220G>A, p.Gly74Ser (NM_001388404.1); short protein forms G74S.
Identifiers: ClinVar variation 1705892 (VCV001705892.5), dbSNP rs77775944, ClinGen allele CA1424251.